The following is an entry in ClinVar:

NM_005419.4(STAT2):c.2491G>A (p.Glu831Lys)

Gene: STAT2 (signal transducer and activator of transcription 2; minus strand). Cytogenetic location: 12q13.3.
Variant type: single nucleotide variant.
Coding change: c.2491G>A on transcript NM_005419.4 (MANE Select); coding-DNA position 2491, G replaced by A.
Protein change: p.Glu831Lys; replaces glutamic acid 831 with lysine.
Molecular consequence: missense variant.
Genome position (GRCh38, 1-based): chr12:56,343,454, C>T on the plus strand (G>A on the coding strand, the complement: STAT2 is on the minus strand). VCF-style: chr12-56343454-C-T. GRCh37 (hg19) VCF-style: chr12-56737238-C-T.
Other names: c.2491G>A, p.Glu831Lys (LRG_1329t1); c.2479G>A, p.Glu827Lys (NM_198332.2); short protein forms E827K, E831K.
Identifiers: ClinVar variation 654859 (VCV000654859.6), dbSNP rs755127513, ClinGen allele CA6630238.

ClinVar aggregate classification (germline): Uncertain significance (1 of 4 stars; one submission).

Conditions:
Primary immunodeficiency with post-measles-mumps-rubella vaccine viral infection. Also called: Immunodeficiency 44. Identifiers: Orphanet 431166, MedGen C4225260, MONDO:0014715, OMIM 616636.

Allele frequency attached by ClinVar (database versions not stated): gnomAD exomes below 0.00001; TOPMed below 0.00001; ExAC 0.00001.
gnomAD v4.1: 1 of 1,614,176 alleles (0.000062%); highest among the groups gnomAD compares: Non-Finnish European, 0.000085%; no homozygotes.

Submission:

Labcorp Genetics (formerly Invitae), Labcorp
Classification: Uncertain significance for Primary immunodeficiency with post-measles-mumps-rubella vaccine viral infection. Last evaluated: 2021-08-24. Review status: criteria provided, single submitter. Criteria: Invitae Variant Classification Sherloc (09022015). Collection method: clinical testing. Allele origin: germline.
Comment: This sequence change replaces glutamic acid with lysine at codon 831 of the STAT2 protein (p.Glu831Lys). The glutamic acid residue is moderately conserved and there is a small physicochemical difference between glutamic acid and lysine. This variant is present in population databases (rs755127513, ExAC 0.001%). This variant has not been reported in the literature in individuals affected with STAT2-related conditions. Algorithms developed to predict the effect of missense changes on protein structure and function are either unavailable or do not agree on the potential impact of this missense change (SIFT: "Tolerated"; PolyPhen-2: "Possibly Damaging"; Align-GVGD: "Class C0"). In summary, the available evidence is currently insufficient to determine the role of this variant in disease. Therefore, it has been classified as a Variant of Uncertain Significance.